The following is an entry in ClinVar:

NM_000815.5(GABRD):c.1195G>C (p.Gly399Arg)

Gene: GABRD (gamma-aminobutyric acid type A receptor subunit delta; plus strand). Cytogenetic location: 1p36.33.
Variant type: single nucleotide variant.
Coding change: c.1195G>C on transcript NM_000815.5 (MANE Select); coding-DNA position 1195, G replaced by C.
Protein change: p.Gly399Arg; replaces glycine 399 with arginine.
Molecular consequence: missense variant.
Genome position (GRCh38, 1-based): chr1:2,030,118, G>C. VCF-style: chr1-2030118-G-C. GRCh37 (hg19) VCF-style: chr1-1961557-G-C.
Other names: short protein forms G399R.
Identifiers: ClinVar variation 4700049 (VCV004700049.1).

ClinVar aggregate classification (germline): Uncertain significance (1 of 4 stars; one submission).

Conditions:
Idiopathic generalized epilepsy. Also called: EIG; Generalised epilepsy. Identifiers: MedGen C0270850, MONDO:0005579, OMIM 600669.

Submission:

Labcorp Genetics (formerly Invitae), Labcorp
Classification: Uncertain significance for Idiopathic generalized epilepsy. Last evaluated: 2025-05-26. Review status: criteria provided, single submitter. Criteria: Invitae Variant Classification Sherloc (09022015). Collection method: clinical testing. Allele origin: germline.
Comment: This sequence change replaces glycine, which is neutral and non-polar, with arginine, which is basic and polar, at codon 399 of the GABRD protein (p.Gly399Arg). This variant is not present in population databases (gnomAD no frequency). This variant has not been reported in the literature in individuals affected with GABRD-related conditions. An algorithm developed to predict the effect of missense changes on protein structure and function (PolyPhen-2) suggests that this variant is likely to be tolerated. In summary, the available evidence is currently insufficient to determine the role of this variant in disease. Therefore, it has been classified as a Variant of Uncertain Significance.